The following is an entry in ClinVar:

ClinVar aggregate classification (germline): Uncertain significance (1 of 4 stars; one submission).

gnomAD v4.1: 6 of 1,614,020 alleles (0.00037%); highest among the groups gnomAD compares: Non-Finnish European, 0.00042%; no homozygotes.

Submission:

GeneDx
Classification: Uncertain significance. Last evaluated: 2026-04-16. Review status: criteria provided, single submitter. Criteria: GeneDx Variant Classification Process June 2021. Collection method: clinical testing. Allele origin: germline.
Comment: Not observed at significant frequency in large population cohorts (gnomAD); In silico analysis suggests that this missense variant does not alter protein structure/function; Has not been previously published as pathogenic or benign to our knowledge

NM_001393769.1(MED12L):c.6134C>T (p.Ser2045Phe)

Gene: MED12L (mediator complex subunit 12L; plus strand). Cytogenetic location: 3q25.1.
Variant type: single nucleotide variant.
Coding change: c.6134C>T on transcript NM_001393769.1 (MANE Select); coding-DNA position 6134, C replaced by T.
Protein change: p.Ser2045Phe; replaces serine 2045 with phenylalanine.
Molecular consequence: missense variant.
Genome position (GRCh38, 1-based): chr3:151,411,501, C>T. VCF-style: chr3-151411501-C-T. GRCh37 (hg19) VCF-style: chr3-151129289-C-T.
Other names: c.6029C>T, p.Ser2010Phe (NM_053002.6); short protein forms S2010F, S2045F.
Identifiers: ClinVar variation 5037329 (VCV005037329.1).